The following is an entry in ClinVar:

NM_005359.6(SMAD4):c.396C>T (p.His132=)

Gene: SMAD4 (SMAD family member 4; plus strand). Cytogenetic location: 18q21.2.
Variant type: single nucleotide variant.
Coding change: c.396C>T on transcript NM_005359.6 (MANE Select); coding-DNA position 396, C replaced by T.
Protein change: p.His132=; no amino-acid change (histidine 132 retained).
Molecular consequence: synonymous variant. On other transcripts: non-coding transcript variant (2).
Genome position (GRCh38, 1-based): chr18:51,048,832, C>T. VCF-style: chr18-51048832-C-T. GRCh37 (hg19) VCF-style: chr18-48575202-C-T.
Other names: c.396C>T, p.His132= (NM_001407041.1, NM_001407042.1, NM_001407043.1).
Identifiers: ClinVar variation 3903936 (VCV003903936.1).

ClinVar aggregate classification (germline): Benign (1 of 4 stars; one submission).

Conditions:
Juvenile polyposis/hereditary hemorrhagic telangiectasia syndrome (JPHT). Also called: JP/HHT SYNDROME; JUVENILE POLYPOSIS WITH HEREDITARY HEMORRHAGIC TELANGIECTASIA; POLYPOSIS, GENERALIZED JUVENILE, WITH PULMONARY ARTERIOVENOUS MALFORMATION; TELANGIECTASIA, HEREDITARY HEMORRHAGIC, WITH JUVENILE POLYPOSIS COLI; Juvenile Polyposis Syndrome / Hereditary Hemorrhagic Telangiectasia (JPS/HHT). Identifiers: Orphanet 2929, MedGen C1832942, MONDO:0008278, OMIM 175050.

Submission:

Myriad Genetics, Inc.
Classification: Benign for Juvenile polyposis/hereditary hemorrhagic telangiectasia syndrome. Last evaluated: 2025-03-18. Review status: criteria provided, single submitter. Criteria: Myriad Autosomal Dominant, Autosomal Recessive and X-Linked Classification Criteria (2023). Collection method: clinical testing. Allele origin: unknown.
Comment: This variant is considered benign. This variant is a silent/synonymous amino acid change and it is not expected to impact splicing.